The following is an entry in ClinVar:

NM_016239.4(MYO15A):c.5507T>C (p.Leu1836Pro)

Gene: MYO15A (myosin XVA; plus strand). Cytogenetic location: 17p11.2.
Variant type: single nucleotide variant.
Coding change: c.5507T>C on transcript NM_016239.4 (MANE Select); coding-DNA position 5507, T replaced by C.
Protein change: p.Leu1836Pro; replaces leucine 1836 with proline.
Molecular consequence: missense variant.
Genome position (GRCh38, 1-based): chr17:18,141,119, T>C. VCF-style: chr17-18141119-T-C. GRCh37 (hg19) VCF-style: chr17-18044433-T-C.
Other names: short protein forms L1836P.
Identifiers: ClinVar variation 1301937 (VCV001301937.4), dbSNP rs1253612362, ClinGen allele CA398601465.

ClinVar aggregate classification (germline): Likely pathogenic. Review status: criteria provided, single submitter (1 of 4 stars). 2 submissions from 2 submitters: Likely pathogenic (1). 1 of the submissions does not count toward it. Last evaluated 2023-12-16.

Conditions:
Autosomal recessive nonsyndromic hearing loss 3. Also called: NEUROSENSORY NONSYNDROMIC RECESSIVE DEAFNESS 3. Identifiers: Orphanet 90636, MedGen C1838263, MONDO:0010860, OMIM 600316.

Allele frequency attached by ClinVar (database versions not stated): TOPMed 0.00001.

Submissions (2):

Labcorp Genetics (formerly Invitae), Labcorp
Classification: Likely pathogenic. Last evaluated: 2023-12-16. Review status: criteria provided, single submitter. Criteria: Invitae Variant Classification Sherloc (09022015). Collection method: clinical testing. Allele origin: germline.
Comment: This sequence change replaces leucine, which is neutral and non-polar, with proline, which is neutral and non-polar, at codon 1836 of the MYO15A protein (p.Leu1836Pro). This variant is not present in population databases (gnomAD no frequency). This missense change has been observed in individual(s) with deafness (PMID: 30953472, 35346193, 35982127). In at least one individual the data is consistent with being in trans (on the opposite chromosome) from a pathogenic variant. ClinVar contains an entry for this variant (Variation ID: 1301937). Advanced modeling of protein sequence and biophysical properties (such as structural, functional, and spatial information, amino acid conservation, physicochemical variation, residue mobility, and thermodynamic stability) has been performed at Invitae for this missense variant, however the output from this modeling did not meet the statistical confidence thresholds required to predict the impact of this variant on MYO15A protein function. In summary, the currently available evidence indicates that the variant is pathogenic, but additional data are needed to prove that conclusively. Therefore, this variant has been classified as Likely Pathogenic.

Molecular Diagnosis Center for Deafness
Classification: Uncertain significance for Autosomal recessive nonsyndromic hearing loss 3. Review status: flagged submission. Criteria: ClinGen HL ACMG Specifications v1. Collection method: clinical testing. Allele origin: paternal. Observed: 1 variant allele. Not counted in ClinVar's aggregate classification.
ClinVar note: Reason: Claim with insufficient supporting evidence

Literature cited by the submitters: PubMed 30953472 (cited by Labcorp Genetics (formerly Invitae), Labcorp); PubMed 35346193 (cited by Labcorp Genetics (formerly Invitae), Labcorp); PubMed 35982127 (cited by Labcorp Genetics (formerly Invitae), Labcorp).